The following is an entry in ClinVar:

ClinVar aggregate classification (germline): Pathogenic (1 of 4 stars; one submission).

Conditions:
Cardiovascular phenotype. Identifiers: MedGen CN230736.
Hereditary cancer-predisposing syndrome. Also called: Neoplastic Syndromes, Hereditary; Tumor predisposition; Hereditary Cancer Syndrome; Hereditary neoplastic syndrome. Identifiers: Orphanet 140162, MedGen C0027672, MeSH D009386, MONDO:0015356.

Submission:

Ambry Genetics
Classification: Pathogenic for Cardiovascular phenotype; Hereditary cancer-predisposing syndrome. Last evaluated: 2025-11-24. Review status: criteria provided, single submitter. Criteria: Ambry Variant Classification Scheme 2023. Collection method: clinical testing. Allele origin: germline.
Comment: The c.392_395delTTGT pathogenic mutation, located in coding exon 4 of the LZTR1 gene, results from a deletion of 4 nucleotides at nucleotide positions 392 to 395, causing a translational frameshift with a predicted alternate stop codon (p.F131Sfs*15). This variant is considered to be rare based on population cohorts in the Genome Aggregation Database (gnomAD). Loss-of-function variants in LZTR1 are related to an increased risk for schwannomas and autosomal recessive Noonan syndrome; however, such associations with autosomal dominant Noonan syndrome have not been observed (Piotrowski A et al. Nat Genet. 2014 Feb;46:182-7; Yamamoto GL et al. J Med Genet. 2015 Jun;52:413-21; Johnston JJ et al. Genet Med. 2018 10;20:1175-1185). Based on the supporting evidence, this variant is pathogenic for an increased risk of LZTR1-related schwannomatosis (SWN) and would be expected to cause autosomal recessive Noonan syndrome when present along with a second pathogenic or likely pathogenic variant on the other allele; however, the association of this alteration with autosomal dominant Noonan syndrome is unlikely.

NM_006767.4(LZTR1):c.392_395del (p.Phe131fs)

Gene: LZTR1 (leucine zipper like post translational regulator 1; plus strand). Cytogenetic location: 22q11.21.
Variant type: Deletion.
Coding change: c.392_395del on transcript NM_006767.4 (MANE Select); coding-DNA positions 392 to 395, 4 bases deleted (TTGT; older notation c.392_395delTTGT).
Protein change: p.Phe131fs; shifts the reading frame from phenylalanine 131.
Molecular consequence: frameshift variant.
Genome position (GRCh38, 1-based): chr22:20,987,575-20,987,578, TTGT deleted; deleting any 4 consecutive bases within chr22:20,987,572-20,987,578 gives the same sequence; the c. name uses the placement nearest the transcript's 3' end. VCF-style (leftmost placement, unchanged base first): chr22-20987571-ATGTT-A. GRCh37 (hg19) VCF-style: chr22-21341860-ATGTT-A.
Other names: short protein forms F131fs.
Identifiers: ClinVar variation 4615654 (VCV004615654.1).
Genomic context (GRCh38, chr22:20,987,571, plus strand): 5'-ACCACTGGGACCCCACCGGCCCCCCGTTACCACCACTCGGCCGTCGTCTATGGGAGCAGC[ATGTT>A]TGTCTTTGGTAAGCAGCCTCTTGCCTCCCAGGGGCTGTGTCGCCCCGAGGCCCACAGACA-3'